The following is an entry in ClinVar:

ClinVar aggregate classification (germline): Uncertain significance (1 of 4 stars; one submission).

Allele frequency attached by ClinVar (database versions not stated): gnomAD exomes below 0.00001.
gnomAD v4.1: 5 of 1,608,214 alleles (0.00031%); highest among the groups gnomAD compares: Non-Finnish European, 0.00042%; no homozygotes.

Submission:

CeGaT Center for Human Genetics Tuebingen
Classification: Uncertain significance. Last evaluated: 2022-08-01. Review status: criteria provided, single submitter. Criteria: CeGaT Center For Human Genetics Tuebingen Variant Classification Criteria Version 2. Collection method: clinical testing. Allele origin: germline. Affected: yes. Observed: 1 variant allele.
Comment: BRD4: PM2, PP2

NM_001379291.1(BRD4):c.3139C>T (p.Arg1047Trp)

Gene: BRD4 (bromodomain containing 4; minus strand). Cytogenetic location: 19p13.12.
Variant type: single nucleotide variant.
Coding change: c.3139C>T on transcript NM_001379291.1 (MANE Select); coding-DNA position 3139, C replaced by T.
Protein change: p.Arg1047Trp; replaces arginine 1047 with tryptophan.
Molecular consequence: missense variant.
Genome position (GRCh38, 1-based): chr19:15,242,930, G>A on the plus strand (C>T on the coding strand, the complement: BRD4 is on the minus strand). VCF-style: chr19-15242930-G-A. GRCh37 (hg19) VCF-style: chr19-15353741-G-A.
Other names: c.3139C>T, p.Arg1047Trp (NM_058243.3); short protein forms R1047W.
Identifiers: ClinVar variation 2649448 (VCV002649448.24), dbSNP rs1373343624, ClinGen allele CA404503022.